The following is an entry in ClinVar:

NM_000057.4(BLM):c.1549A>C (p.Ser517Arg)

Gene: BLM (BLM RecQ like helicase; plus strand). Cytogenetic location: 15q26.1.
Variant type: single nucleotide variant.
Coding change: c.1549A>C on transcript NM_000057.4 (MANE Select); coding-DNA position 1549, A replaced by C.
Protein change: p.Ser517Arg; replaces serine 517 with arginine.
Molecular consequence: missense variant.
Genome position (GRCh38, 1-based): chr15:90,760,922, A>C. VCF-style: chr15-90760922-A-C. GRCh37 (hg19) VCF-style: chr15-91304152-A-C.
Other names: c.1549A>C, p.Ser517Arg (NM_001287246.2, NM_001287247.2); c.424A>C, p.Ser142Arg (NM_001287248.2); short protein forms S142R, S517R.
Identifiers: ClinVar variation 1774988 (VCV001774988.2), dbSNP rs2505426983, ClinGen allele CA393843301.
Genomic context (GRCh38, chr15:90,760,922, plus strand): 5'-CAGAAGTCCTTTGTAAGTAGCAACTGGGCTGAAACACCAAGACTAGGAAAAAAAAATGAA[A>C]GCTCTTATTTCCCAGGAAATGTTCTCACAAGCACTGCTGTGAAAGATCAGAATAAACATA-3'
Protein context (NP_000048.1, residues 507-527): ETPRLGKKNE[Ser517Arg]SYFPGNVLTS

ClinVar aggregate classification (germline): Uncertain significance (1 of 4 stars; one submission).

Conditions:
Hereditary cancer-predisposing syndrome. Also called: Hereditary Cancer Syndrome; Hereditary neoplastic syndrome; Neoplastic Syndromes, Hereditary; Tumor predisposition. Identifiers: Orphanet 140162, MedGen C0027672, MeSH D009386, MONDO:0015356.

Allele frequency attached by ClinVar (database versions not stated): gnomAD exomes below 0.00001.
gnomAD v4.1: 1 of 1,614,034 alleles (0.000062%); highest among the groups gnomAD compares: Non-Finnish European, 0.000085%; no homozygotes.

Submission:

Ambry Genetics
Classification: Uncertain significance for Hereditary cancer-predisposing syndrome. Last evaluated: 2022-04-02. Review status: criteria provided, single submitter. Criteria: Ambry Variant Classification Scheme 2023. Collection method: clinical testing. Allele origin: germline.
Comment: The p.S517R variant (also known as c.1549A>C), located in coding exon 6 of the BLM gene, results from an A to C substitution at nucleotide position 1549. The serine at codon 517 is replaced by arginine, an amino acid with dissimilar properties. This amino acid position is conserved. In addition, this alteration is predicted to be tolerated by in silico analysis. Since supporting evidence is limited at this time, the clinical significance of this alteration remains unclear.